The following is an entry in ClinVar:

ClinVar aggregate classification (germline): Conflicting classifications of pathogenicity. Review status: criteria provided, conflicting classifications (1 of 4 stars). 6 submissions from 6 submitters: Uncertain significance (4); Likely benign (1). 1 of the submissions does not count toward it. Last evaluated 2026-08-06.

Conditions:
PEX6-related disorder. Also called: PEX6-related condition; PEX6-related disorders.
Peroxisome biogenesis disorder 4A (Zellweger) (PBD4A). Also called: Zellweger syndrome spectrum (PEX6-related). Identifiers: Orphanet 912, MedGen C3553936, MONDO:0013930, OMIM 614862. Disease mechanism: loss of function.
Peroxisome biogenesis disorder. Identifiers: Orphanet 79189, MedGen C1832200, MONDO:0019234. Disease mechanism: loss of function.
Zellweger spectrum disorders (ZS). Also called: Zellweger Spectrum Disorder; Zellweger Spectrum; Zellweger Spectrum Disorder (ZSD); Zellweger syndrome. Identifiers: Orphanet 912, MedGen C0043459, MONDO:0019609.

Allele frequency attached by ClinVar (database versions not stated): gnomAD 0.00005 and 0.00008; TOPMed 0.00008; gnomAD exomes 0.00009 and 0.00014; ExAC 0.00012; 1000 Genomes Project 0.00020; 1000 Genomes Project 30x 0.00031.
gnomAD v4.1: 148 of 1,613,508 alleles (0.0092%); highest among the groups gnomAD compares: Admixed American, 0.02%; no homozygotes.

Submissions (6):

OLLIN Analises Genomicas, OLLIN
Classification: Uncertain significance for Peroxisome biogenesis disorder 4A (Zellweger). Last evaluated: 2026-08-06. Review status: criteria provided, single submitter. Criteria: ACMG Guidelines 2015 PMID 25741868. Collection method: clinical testing. Allele origin: germline. Inheritance: Autosomal recessive inheritance.
Comment: This missense variant, located in exon 6 (of 17), has been reported in ClinVar (accession VCV000356796.9) and in gnomAD with an allele frequency of 0.0092%. However, to our knowledge, it has not been reported in the scientific literature. In silico analysis predicts that this variant has a tolerated effect. According to the currently available evidence, this variant has been classified as uncertain significance (PM2_P, BP4_M).

CeGaT Center for Human Genetics Tuebingen
Classification: Likely benign. Last evaluated: 2026-07-01. Review status: criteria provided, single submitter. Criteria: CeGaT Center For Human Genetics Tuebingen Variant Classification Criteria Version 2. Collection method: clinical testing. Allele origin: germline. Affected: yes. Observed: 1 variant allele.
Comment: PEX6: BP4

PreventionGenetics, part of Exact Sciences
Classification: Uncertain significance for PEX6-related condition. Last evaluated: 2023-02-14. Review status: criteria provided, single submitter. Criteria: ACMG Guidelines, 2015. Collection method: clinical testing. Allele origin: germline.
Comment: The PEX6 c.1387A>G variant is predicted to result in the amino acid substitution p.Thr463Ala. To our knowledge, this variant has not been reported in the literature. This variant is reported in 0.039% of alleles in individuals of Ashkenazi Jewish descent in gnomAD. At this time, the clinical significance of this variant is uncertain due to the absence of conclusive functional and genetic evidence.

Labcorp Genetics (formerly Invitae), Labcorp
Classification: Uncertain significance for Peroxisome biogenesis disorder. Last evaluated: 2022-11-03. Review status: criteria provided, single submitter. Criteria: Invitae Variant Classification Sherloc (09022015). Collection method: clinical testing. Allele origin: germline.
Comment: This sequence change replaces threonine, which is neutral and polar, with alanine, which is neutral and non-polar, at codon 463 of the PEX6 protein (p.Thr463Ala). This variant is present in population databases (rs182308788, gnomAD 0.03%). This variant has not been reported in the literature in individuals affected with PEX6-related conditions. ClinVar contains an entry for this variant (Variation ID: 356796). Advanced modeling of protein sequence and biophysical properties (such as structural, functional, and spatial information, amino acid conservation, physicochemical variation, residue mobility, and thermodynamic stability) performed at Invitae indicates that this missense variant is not expected to disrupt PEX6 protein function. In summary, the available evidence is currently insufficient to determine the role of this variant in disease. Therefore, it has been classified as a Variant of Uncertain Significance.

Illumina Laboratory Services, Illumina
Classification: Uncertain significance for Peroxisome biogenesis disorder 4A (Zellweger). Last evaluated: 2018-01-12. Review status: criteria provided, single submitter. Criteria: ICSL Variant Classification Criteria 13 December 2019. Collection method: clinical testing. Allele origin: germline.

Natera, Inc.
Classification: Uncertain significance for Zellweger syndrome. Last evaluated: 2020-01-22. Review status: no assertion criteria provided. Collection method: clinical testing. Allele origin: germline. Not counted in ClinVar's aggregate classification.

NM_000287.4(PEX6):c.1387A>G (p.Thr463Ala)

Gene: PEX6 (peroxisomal biogenesis factor 6; minus strand). Cytogenetic location: 6p21.1.
Variant type: single nucleotide variant.
Coding change: c.1387A>G on transcript NM_000287.4 (MANE Select); coding-DNA position 1387, A replaced by G.
Protein change: p.Thr463Ala; replaces threonine 463 with alanine.
Molecular consequence: missense variant. On other transcripts: non-coding transcript variant (1).
Genome position (GRCh38, 1-based): chr6:42,968,966, T>C on the plus strand (A>G on the coding strand, the complement: PEX6 is on the minus strand). VCF-style: chr6-42968966-T-C. GRCh37 (hg19) VCF-style: chr6-42936704-T-C.
Other names: c.1123A>G, p.Thr375Ala (NM_001316313.2); short protein forms T463A, T375A.
Identifiers: ClinVar variation 356796 (VCV000356796.11), dbSNP rs182308788, ClinGen allele CA3811338.